The following is an entry in ClinVar:

NM_002691.4(POLD1):c.2758G>C (p.Asp920His)

Gene: POLD1 (DNA polymerase delta 1, catalytic subunit; plus strand). Cytogenetic location: 19q13.33.
Variant type: single nucleotide variant.
Coding change: c.2758G>C on transcript NM_002691.4 (MANE Select); coding-DNA position 2758, G replaced by C.
Protein change: p.Asp920His; replaces aspartic acid 920 with histidine.
Molecular consequence: missense variant.
Genome position (GRCh38, 1-based): chr19:50,415,764, G>C. VCF-style: chr19-50415764-G-C. GRCh37 (hg19) VCF-style: chr19-50919021-G-C.
Other names: c.2758G>C, p.Asp920His (NM_001256849.1, NM_001438212.1, NM_001438213.1); c.2836G>C, p.Asp946His (NM_001308632.1); c.2686G>C, p.Asp896His (NM_001438210.1, NM_001438211.1); short protein forms D946H, D896H, D920H.
Identifiers: ClinVar variation 4762046 (VCV004762046.1).

ClinVar aggregate classification (germline): Uncertain significance (1 of 4 stars; one submission).

Conditions:
POLD1-related polyposis and colorectal cancer syndrome (CRCS10). Also called: COLORECTAL CANCER, SUSCEPTIBILITY TO, ON CHROMOSOME 19q; Colorectal cancer 10; Colorectal cancer, susceptibility to, 10. Identifiers: Orphanet 220460, MedGen C2675481, MONDO:0012953, OMIM 612591.

Submission:

Labcorp Genetics (formerly Invitae), Labcorp
Classification: Uncertain significance for POLD1-related polyposis and colorectal cancer syndrome. Last evaluated: 2025-03-26. Review status: criteria provided, single submitter. Criteria: Invitae Variant Classification Sherloc (09022015). Collection method: clinical testing. Allele origin: germline.
Comment: This sequence change replaces aspartic acid, which is acidic and polar, with histidine, which is basic and polar, at codon 920 of the POLD1 protein (p.Asp920His). This variant is not present in population databases (gnomAD no frequency). This variant has not been reported in the literature in individuals affected with POLD1-related conditions. Invitae Evidence Modeling of protein sequence and biophysical properties (such as structural, functional, and spatial information, amino acid conservation, physicochemical variation, residue mobility, and thermodynamic stability) indicates that this missense variant is expected to disrupt POLD1 protein function with a positive predictive value of 80%. In summary, the available evidence is currently insufficient to determine the role of this variant in disease. Therefore, it has been classified as a Variant of Uncertain Significance.